The following is an entry in ClinVar:

NM_004336.5(BUB1):c.871C>A (p.Gln291Lys)

Gene: BUB1 (BUB1 mitotic checkpoint serine/threonine kinase; minus strand). Cytogenetic location: 2q13.
Variant type: single nucleotide variant.
Coding change: c.871C>A on transcript NM_004336.5 (MANE Select); coding-DNA position 871, C replaced by A.
Protein change: p.Gln291Lys; replaces glutamine 291 with lysine.
Molecular consequence: missense variant.
Genome position (GRCh38, 1-based): chr2:110,666,349, G>T on the plus strand (C>A on the coding strand, the complement: BUB1 is on the minus strand). VCF-style: chr2-110666349-G-T. GRCh37 (hg19) VCF-style: chr2-111423926-G-T.
Other names: c.811C>A, p.Gln271Lys (NM_001278616.2); c.871C>A, p.Gln291Lys (NM_001278617.2); short protein forms Q271K, Q291K.
Identifiers: ClinVar variation 3262137 (VCV003262137.1).
Genomic context (GRCh38, chr2:110,666,349, plus strand): 5'-GATCCTCATGGGATGTCTCCACCACCTGATGCAACTTCTTATGAAGTTCATCCATTTTCT[G>T]TTTTAATAGCTGTTCTTCAAAAGCATTTGCTTCTTTCCTTTTCATATAATGTCTGTCTTC-3'
Protein context (NP_004327.1, residues 281-301): ANAFEEQLLK[Gln291Lys]KMDELHKKLH

ClinVar aggregate classification (germline): Uncertain significance (1 of 4 stars; one submission).

Submission:

Ambry Genetics
Classification: Uncertain significance. Last evaluated: 2024-04-08. Review status: criteria provided, single submitter. Criteria: Ambry Variant Classification Scheme 2023. Collection method: clinical testing. Allele origin: germline.
Comment: The p.Q291K variant (also known as c.871C>A), located in coding exon 9 of the BUB1 gene, results from a C to A substitution at nucleotide position 871. The glutamine at codon 291 is replaced by lysine, an amino acid with similar properties. This amino acid position is conserved. In addition, this alteration is predicted to be tolerated by in silico analysis. Based on the available evidence, the clinical significance of this variant remains unclear.